The following is an entry in ClinVar:

ClinVar aggregate classification (germline): Conflicting classifications of pathogenicity. Review status: criteria provided, conflicting classifications (1 of 4 stars). 4 submissions from 4 submitters: Uncertain significance (2); Likely benign (2). Last evaluated 2025-10-22.

Allele frequency attached by ClinVar (database versions not stated): gnomAD 0.00010 and 0.00014; TOPMed 0.00012; ESP Exome Variant Server 0.00016; 1000 Genomes Project 30x 0.00094; 1000 Genomes Project 0.00100.
gnomAD v4.1: 104 of 1,612,022 alleles (0.0065%); highest among the groups gnomAD compares: East Asian, 0.12%; no homozygotes.

Submissions (4):

Labcorp Genetics (formerly Invitae), Labcorp
Classification: Likely benign. Last evaluated: 2025-10-22. Review status: criteria provided, single submitter. Criteria: Invitae Variant Classification Sherloc (09022015). Collection method: clinical testing. Allele origin: germline.

Blueprint Genetics
Classification: Likely benign. Last evaluated: 2024-01-23. Review status: criteria provided, single submitter. Criteria: ACMG Guidelines, 2015. Collection method: clinical testing. Allele origin: germline.

GeneDx
Classification: Uncertain significance. Last evaluated: 2017-03-28. Review status: criteria provided, single submitter. Criteria: GeneDx Variant Classification (06012015). Collection method: clinical testing. Allele origin: germline. Affected: yes.
Comment: The A308D variant in the CA4 gene has not been reported previously as a pathogenic variant, nor as a benign variant, to our knowledge. The A308D variant is observed in 22/7866 (0.28%) alleles from individuals of East Asian background, in the ExAC dataset (Lek et al., 2016). The A308D variant is a non-conservative amino acid substitution, which is likely to impact secondary protein structure as these residues differ in polarity, charge, size and/or other properties. This substitution occurs at a position that is not conserved. In silico analysis is inconsistent in its predictions as to whether or not the variant is damaging to the protein structure/function. We interpret A308D as a variant of uncertain significance.

Eurofins Ntd Llc (ga)
Classification: Uncertain significance. Last evaluated: 2016-10-31. Review status: criteria provided, single submitter. Criteria: EGL Classification Definitions 2015. Collection method: clinical testing. Allele origin: germline. Observed: 1 variant allele, 1 heterozygote.

NM_000717.5(CA4):c.923C>A (p.Ala308Asp)

Gene: CA4 (carbonic anhydrase 4; plus strand). Cytogenetic location: 17q23.1.
Variant type: single nucleotide variant.
Coding change: c.923C>A on transcript NM_000717.5 (MANE Select); coding-DNA position 923, C replaced by A.
Protein change: p.Ala308Asp; replaces alanine 308 with aspartic acid.
Molecular consequence: missense variant. On other transcripts: non-coding transcript variant (1).
Genome position (GRCh38, 1-based): chr17:60,159,408, C>A. VCF-style: chr17-60159408-C-A. GRCh37 (hg19) VCF-style: chr17-58236769-C-A.
Other names: short protein forms A308D.
Identifiers: ClinVar variation 426912 (VCV000426912.18), dbSNP rs201580764, ClinGen allele CA8685573.